The following is an entry in ClinVar:

ClinVar aggregate classification (germline): Uncertain significance. Review status: criteria provided, single submitter (1 of 4 stars). 3 submissions from 3 submitters: Uncertain significance (1). 2 of the submissions do not count toward it. Last evaluated 2025-07-25.

Conditions:
Hereditary cancer-predisposing syndrome. Also called: Hereditary Cancer Syndrome; Tumor predisposition; Neoplastic Syndromes, Hereditary; Hereditary neoplastic syndrome. Identifiers: Orphanet 140162, MedGen C0027672, MeSH D009386, MONDO:0015356.

Allele frequency attached by ClinVar (database versions not stated): gnomAD exomes below 0.00001; TOPMed below 0.00001.
gnomAD v4.1: 1 of 1,613,928 alleles (0.000062%); highest among the groups gnomAD compares: Non-Finnish European, 0.000085%; no homozygotes.

Submissions (3):

Ambry Genetics
Classification: Uncertain significance for Hereditary cancer-predisposing syndrome. Last evaluated: 2025-07-25. Review status: criteria provided, single submitter. Criteria: Ambry Variant Classification Scheme 2023. Collection method: clinical testing. Allele origin: germline.
Comment: The p.F328S variant (also known as c.983T>C), located in coding exon 8 of the CHEK2 gene, results from a T to C substitution at nucleotide position 983. The phenylalanine at codon 328 is replaced by serine, an amino acid with highly dissimilar properties. This alteration was detected in an individual with a personal history of leiomyosarcoma and schwannoma (Ruijs MW et al. Hered Cancer Clin Pract, 2009 Feb;7:4). This amino acid position is highly conserved in available vertebrate species. In addition, this alteration is predicted to be deleterious by in silico analysis. Since supporting evidence is limited at this time, the clinical significance of this alteration remains unclear.

Diagnostic Laboratory, Department of Genetics, University Medical Center Groningen
Classification: Uncertain significance. Review status: no assertion criteria provided. Collection method: clinical testing. Allele origin: germline. Affected: yes. Study: VKGL Data-share Consensus. Not counted in ClinVar's aggregate classification.

Genome Diagnostics Laboratory, Amsterdam University Medical Center
Classification: Uncertain significance. Review status: no assertion criteria provided. Collection method: clinical testing. Allele origin: germline. Affected: yes. Study: VKGL Data-share Consensus. Not counted in ClinVar's aggregate classification.

Literature cited by the submitters: PubMed 19338683 (cited by Ambry Genetics).

NM_007194.4(CHEK2):c.983T>C (p.Phe328Ser)

Gene: CHEK2 (checkpoint kinase 2; minus strand). Cytogenetic location: 22q12.1.
Variant type: single nucleotide variant.
Coding change: c.983T>C on transcript NM_007194.4 (MANE Select); coding-DNA position 983, T replaced by C.
Protein change: p.Phe328Ser; replaces phenylalanine 328 with serine.
Molecular consequence: missense variant.
Genome position (GRCh38, 1-based): chr22:28,699,863, A>G on the plus strand (T>C on the coding strand, the complement: CHEK2 is on the minus strand). VCF-style: chr22-28699863-A-G. GRCh37 (hg19) VCF-style: chr22-29095851-A-G.
Other names: c.1112T>C, p.Phe371Ser (NM_001005735.3); c.320T>C, p.Phe107Ser (NM_001257387.3); c.782T>C, p.Phe261Ser (NM_001349956.3); c.983T>C, p.Phe328Ser (NM_145862.3); short protein forms F107S, F261S, F328S, F371S.
Identifiers: ClinVar variation 1328201 (VCV001328201.4), dbSNP rs1555915377, ClinGen allele CA411099549.
Genomic context (GRCh38, chr22:28,699,863, plus strand): 5'-AGGCAGCTGTCAAAAGAATTGAGGGCTTCTTTTACCTGCACAGCCAAGAGCATCTGGTAA[A>G]AATAGAGCTTGCAGGTAGCTTCTTTCAGGCGTTTATTCCCCACCACTTTGTCAAACAGCT-3'
Protein context (NP_009125.1, residues 318-338): RLKEATCKLY[Phe328Ser]YQMLLAVQYL